The following is an entry in ClinVar:

ClinVar aggregate classification (germline): Benign/Likely benign. Review status: criteria provided, multiple submitters, no conflicts (2 of 4 stars). 2 submissions from 2 submitters: Benign (1); Likely benign (1). Last evaluated 2024-12-18.

Conditions:
Lynch syndrome 5 (LYNCH5). Also called: Colorectal cancer, hereditary nonpolyposis, type 5; Hereditary non-polyposis colorectal cancer, type 5. Identifiers: Orphanet 144, MedGen C1833477, MONDO:0013710, OMIM 614350. Disease mechanism: loss of function.
Hereditary cancer-predisposing syndrome. Also called: Neoplastic Syndromes, Hereditary; Tumor predisposition; Hereditary neoplastic syndrome; Hereditary Cancer Syndrome. Identifiers: Orphanet 140162, MedGen C0027672, MeSH D009386, MONDO:0015356.

Submissions (2):

Myriad Genetics, Inc.
Classification: Benign for Lynch syndrome 5. Last evaluated: 2024-12-18. Review status: criteria provided, single submitter. Criteria: Myriad Autosomal Dominant, Autosomal Recessive and X-Linked Classification Criteria (2023). Collection method: clinical testing. Allele origin: unknown.
Comment: This variant is considered benign. This variant is a silent/synonymous amino acid change and it is not expected to impact splicing.

Ambry Genetics
Classification: Likely benign for Hereditary cancer-predisposing syndrome. Last evaluated: 2022-11-10. Review status: criteria provided, single submitter. Criteria: Ambry Variant Classification Scheme 2023. Collection method: clinical testing. Allele origin: germline.

NM_000179.3(MSH6):c.327G>C (p.Leu109=)

Gene: MSH6 (mutS homolog 6; plus strand). Cytogenetic location: 2p16.3.
Variant type: single nucleotide variant.
Coding change: c.327G>C on transcript NM_000179.3 (MANE Select); coding-DNA position 327, G replaced by C.
Protein change: p.Leu109=; no amino-acid change (leucine 109 retained).
Molecular consequence: synonymous variant. On other transcripts: 5 prime UTR variant (7), non-coding transcript variant (5), intron variant (6).
Genome position (GRCh38, 1-based): chr2:47,790,993, G>C. VCF-style: chr2-47790993-G-C. GRCh37 (hg19) VCF-style: chr2-48018132-G-C.
Other names: c.-410G>C (NM_001281493.2, NM_001406811.1, NM_001406823.1 and 1 more transcripts); c.-576G>C (NM_001281494.2); c.423G>C, p.Leu141= (NM_001406795.1, NM_001406802.1); c.327G>C, p.Leu109= (NM_001406796.1, NM_001406798.1, NM_001406800.1 and 6 more transcripts); c.30G>C, p.Leu10= (NM_001406797.1, NM_001406801.1, NM_001406805.1 and 10 more transcripts); c.249G>C, p.Leu83= (NM_001406804.1); c.-602G>C (NM_001406807.1); c.-668G>C (NM_001406814.1); and 6 more.
Identifiers: ClinVar variation 2453157 (VCV002453157.3), dbSNP rs1668689995, ClinGen allele CA425989368.